The following is an entry in ClinVar:

ClinVar aggregate classification (germline): Likely benign. Review status: criteria provided, multiple submitters, no conflicts (2 of 4 stars). 3 submissions from 3 submitters: Likely benign (3). Last evaluated 2026-05-27.

Conditions:
USH2A-related disorder. Also called: USH2A-related condition; USH2A-related disorders. Identifiers: MedGen CN239332.

Allele frequency attached by ClinVar (database versions not stated): gnomAD exomes 0.00001.
gnomAD v4.1: 14 of 1,614,076 alleles (0.00087%); highest among the groups gnomAD compares: Non-Finnish European, 0.0012%; no homozygotes.

Submissions (3):

PreventionGenetics, part of Exact Sciences
Classification: Likely benign for USH2A-related condition. Last evaluated: 2026-05-27. Review status: criteria provided, single submitter. Criteria: ACMG Guidelines, 2015. Collection method: clinical testing. Allele origin: germline.
Comment: This variant is classified as likely benign based on ACMG/AMP sequence variant interpretation guidelines (Richards et al. 2015 PMID: 25741868, with internal and published modifications).

Labcorp Genetics (formerly Invitae), Labcorp
Classification: Likely benign. Last evaluated: 2025-11-16. Review status: criteria provided, single submitter. Criteria: Invitae Variant Classification Sherloc (09022015). Collection method: clinical testing. Allele origin: germline.

Blueprint Genetics
Classification: Likely benign. Last evaluated: 2024-10-10. Review status: criteria provided, single submitter. Criteria: ACMG Guidelines, 2015. Collection method: clinical testing. Allele origin: germline.

NM_206933.4(USH2A):c.15519+7T>C

Gene: USH2A (usherin; minus strand). Cytogenetic location: 1q41.
Variant type: single nucleotide variant.
Coding change: c.15519+7T>C on transcript NM_206933.4 (MANE Select); 7 bases into the intron after coding-DNA position 15519, T replaced by C.
Molecular consequence: intron variant.
Genome position (GRCh38, 1-based): chr1:215,628,807, A>G on the plus strand (T>C on the coding strand, the complement: USH2A is on the minus strand). VCF-style: chr1-215628807-A-G. GRCh37 (hg19) VCF-style: chr1-215802149-A-G.
Other names: c.15519+7T>C (NM_206933.2).
Identifiers: ClinVar variation 1152711 (VCV001152711.11), dbSNP rs879633927, ClinGen allele CA37368960.